The following is an entry in ClinVar:

NC_000004.11:g.(?_123818759)_(124235219_?)del

Genes: AFG2A (AFG2 AAA ATPase homolog A; plus strand), FGF2 (fibroblast growth factor 2; plus strand), NUDT6 (nudix hydrolase 6; minus strand). Cytogenetic location: 4q28.1.
Variant type: Deletion.
Identifiers: ClinVar variation 2427332 (VCV002427332.5).

ClinVar aggregate classification (germline): Pathogenic (1 of 4 stars; one submission).

Conditions:
Microcephaly-intellectual disability-sensorineural hearing loss-epilepsy-abnormal muscle tone syndrome (NEDHSB). Also called: NEURODEVELOPMENTAL DISORDER WITH HEARING LOSS, SEIZURES, AND BRAIN ABNORMALITIES. Identifiers: Orphanet 457351, MedGen C4225276, MONDO:0014698, OMIM 616577.

Submission:

Labcorp Genetics (formerly Invitae), Labcorp
Classification: Pathogenic for Microcephaly-intellectual disability-sensorineural hearing loss-epilepsy-abnormal muscle tone syndrome. Last evaluated: 2021-01-14. Review status: criteria provided, single submitter. Criteria: Invitae Variant Classification Sherloc (09022015). Collection method: clinical testing. Allele origin: germline.
Comment: A gross deletion of the genomic region encompassing the full coding sequence of the SPATA5 gene has been identified. The boundaries of this event are unknown as the deletion extends beyond the assayed region for this gene and therefore may encompass additional genes. This variant has not been reported in the literature in individuals with SPATA5-related conditions. Loss-of-function variants in SPATA5 are known to be pathogenic (PMID: 26299366). For these reasons, this variant has been classified as Pathogenic.

Literature cited by the submitters: PubMed 26299366.